The following is an entry in ClinVar:

ClinVar aggregate classification (germline): Benign. Review status: criteria provided, multiple submitters, no conflicts (2 of 4 stars). 2 submissions from 2 submitters: Benign (2). Last evaluated 2018-06-16.

Allele frequency attached by ClinVar (database versions not stated): gnomAD 0.05021 and 0.05415; TOPMed 0.05644; 1000 Genomes Project 30x 0.08510; 1000 Genomes Project 0.08606.
gnomAD v4.1: 54,559 of 1,403,302 alleles (3.9%); highest among the groups gnomAD compares: Admixed American, 16%; 2,485 homozygotes.

Submissions (2):

GeneDx
Classification: Benign. Last evaluated: 2018-06-16. Review status: criteria provided, single submitter. Criteria: GeneDx Variant Classification (06012015). Collection method: clinical testing. Allele origin: germline. Affected: yes.
Comment: This variant is considered likely benign or benign based on one or more of the following criteria: it is a conservative change, it occurs at a poorly conserved position in the protein, it is predicted to be benign by multiple in silico algorithms, and/or has population frequency not consistent with disease.

Breakthrough Genomics
Classification: Benign. Review status: criteria provided, single submitter. Criteria: ACMG Guidelines, 2015. Collection method: not provided. Allele origin: germline. Inheritance: Autosomal recessive inheritance. Affected: yes.

NM_001267550.2(TTN):c.9163+123G>A

Gene: TTN (titin; minus strand). Cytogenetic location: 2q31.2.
Variant type: single nucleotide variant.
Coding change: c.9163+123G>A on transcript NM_001267550.2 (MANE Select); 123 bases into the intron after coding-DNA position 9163, G replaced by A.
Molecular consequence: intron variant.
Genome position (GRCh38, 1-based): chr2:178,768,550, C>T on the plus strand (G>A on the coding strand, the complement: TTN is on the minus strand). VCF-style: chr2-178768550-C-T. GRCh37 (hg19) VCF-style: chr2-179633277-C-T.
Other names: c.9163+123G>A (NM_001256850.1, NM_133378.4, NM_133379.5); c.9025+123G>A (NM_003319.4, NM_133437.4, NM_133432.3).
Identifiers: ClinVar variation 671327 (VCV000671327.2), dbSNP rs72647887, ClinGen allele CA11218753.